The following is an entry in ClinVar:

ClinVar aggregate classification (germline): Likely benign. Review status: criteria provided, multiple submitters, no conflicts (2 of 4 stars). 2 submissions from 2 submitters: Likely benign (2). Last evaluated 2026-09-01.

Allele frequency attached by ClinVar (database versions not stated): TOPMed 0.00001; ExAC 0.00002.
gnomAD v4.1: 15 of 1,614,136 alleles (0.00093%); highest among the groups gnomAD compares: Admixed American, 0.012%; no homozygotes.

Submissions (2):

CeGaT Center for Human Genetics Tuebingen
Classification: Likely benign. Last evaluated: 2026-09-01. Review status: criteria provided, single submitter. Criteria: CeGaT Center For Human Genetics Tuebingen Variant Classification Criteria Version 2. Collection method: clinical testing. Allele origin: germline. Affected: yes. Observed: 1 variant allele.
Comment: MCM3AP: BP4, BP7

Labcorp Genetics (formerly Invitae), Labcorp
Classification: Likely benign. Last evaluated: 2025-10-03. Review status: criteria provided, single submitter. Criteria: Invitae Variant Classification Sherloc (09022015). Collection method: clinical testing. Allele origin: germline.

NM_003906.5(MCM3AP):c.576C>T (p.Phe192=)

Gene: MCM3AP (minichromosome maintenance complex component 3 associated protein; minus strand). Cytogenetic location: 21q22.3.
Variant type: single nucleotide variant.
Coding change: c.576C>T on transcript NM_003906.5 (MANE Select); coding-DNA position 576, C replaced by T.
Protein change: p.Phe192=; no amino-acid change (phenylalanine 192 retained).
Molecular consequence: synonymous variant.
Genome position (GRCh38, 1-based): chr21:46,284,711, G>A on the plus strand (C>T on the coding strand, the complement: MCM3AP is on the minus strand). VCF-style: chr21-46284711-G-A. GRCh37 (hg19) VCF-style: chr21-47704625-G-A.
Identifiers: ClinVar variation 2186517 (VCV002186517.5), dbSNP rs750974945, ClinGen allele CA10077318.
Genomic context (GRCh38, chr21:46,284,711, plus strand): 5'-AGGTTTTGAAAAGGTAAAATTTGAAGTGGTAGCTGAACTACTTGTTACTTGAGGAAAAGA[G>A]AAAGGGGCCAGGCCTCCAGGTGCACTACTAATTGGGTGGGAAAATGTAAAAAACCCAGAA-3'
Protein context (NP_003897.2, residues 182-202): ISSAPGGLAP[Phe192=]SFPQVTSSSA